The following is an entry in ClinVar:

NM_001365999.1(SZT2):c.9081G>A (p.Met3027Ile)

Gene: SZT2 (SZT2 subunit of KICSTOR complex; plus strand). Cytogenetic location: 1p34.2.
Variant type: single nucleotide variant.
Coding change: c.9081G>A on transcript NM_001365999.1 (MANE Select); coding-DNA position 9081, G replaced by A.
Protein change: p.Met3027Ile; replaces methionine 3027 with isoleucine.
Molecular consequence: missense variant.
Genome position (GRCh38, 1-based): chr1:43,446,963, G>A. VCF-style: chr1-43446963-G-A. GRCh37 (hg19) VCF-style: chr1-43912634-G-A.
Other names: c.8910G>A, p.Met2970Ile (NM_015284.4); short protein forms M2970I, M3027I.
Identifiers: ClinVar variation 1059358 (VCV001059358.7), dbSNP rs770982122, ClinGen allele CA810821.

ClinVar aggregate classification (germline): Uncertain significance (1 of 4 stars; one submission).

Allele frequency attached by ClinVar (database versions not stated): gnomAD exomes below 0.00001 and 0.00001; TOPMed below 0.00001; ExAC 0.00001.
gnomAD v4.1: 5 of 1,610,898 alleles (0.00031%); highest among the groups gnomAD compares: Non-Finnish European, 0.00042%; no homozygotes.

Submission:

Labcorp Genetics (formerly Invitae), Labcorp
Classification: Uncertain significance. Last evaluated: 2023-07-10. Review status: criteria provided, single submitter. Criteria: Invitae Variant Classification Sherloc (09022015). Collection method: clinical testing. Allele origin: germline.
Comment: This sequence change replaces methionine, which is neutral and non-polar, with isoleucine, which is neutral and non-polar, at codon 2970 of the SZT2 protein (p.Met2970Ile). The frequency data for this variant in the population databases is considered unreliable, as metrics indicate poor data quality at this position in the gnomAD database. This variant has not been reported in the literature in individuals affected with SZT2-related conditions. ClinVar contains an entry for this variant (Variation ID: 1059358). Advanced modeling of protein sequence and biophysical properties (such as structural, functional, and spatial information, amino acid conservation, physicochemical variation, residue mobility, and thermodynamic stability) performed at Invitae indicates that this missense variant is expected to disrupt SZT2 protein function. In summary, the available evidence is currently insufficient to determine the role of this variant in disease. Therefore, it has been classified as a Variant of Uncertain Significance.